The following is an entry in ClinVar:

NM_000836.4(GRIN2D):c.1330A>G (p.Ile444Val)

Gene: GRIN2D (glutamate ionotropic receptor NMDA type subunit 2D; plus strand). Cytogenetic location: 19q13.33.
Variant type: single nucleotide variant.
Coding change: c.1330A>G on transcript NM_000836.4 (MANE Select); coding-DNA position 1330, A replaced by G.
Protein change: p.Ile444Val; replaces isoleucine 444 with valine.
Molecular consequence: missense variant.
Genome position (GRCh38, 1-based): chr19:48,414,502, A>G. VCF-style: chr19-48414502-A-G. GRCh37 (hg19) VCF-style: chr19-48917759-A-G.
Other names: short protein forms I444V.
Identifiers: ClinVar variation 1396519 (VCV001396519.6), dbSNP rs1970917570, ClinGen allele CA406695347.

ClinVar aggregate classification (germline): Uncertain significance (1 of 4 stars; one submission).

Submission:

Labcorp Genetics (formerly Invitae), Labcorp
Classification: Uncertain significance. Last evaluated: 2022-03-18. Review status: criteria provided, single submitter. Criteria: Invitae Variant Classification Sherloc (09022015). Collection method: clinical testing. Allele origin: germline.
Comment: This sequence change replaces isoleucine, which is neutral and non-polar, with valine, which is neutral and non-polar, at codon 444 of the GRIN2D protein (p.Ile444Val). This variant is not present in population databases (gnomAD no frequency). This variant has not been reported in the literature in individuals affected with GRIN2D-related conditions. Algorithms developed to predict the effect of missense changes on protein structure and function (SIFT, PolyPhen-2, Align-GVGD) all suggest that this variant is likely to be tolerated. In summary, the available evidence is currently insufficient to determine the role of this variant in disease. Therefore, it has been classified as a Variant of Uncertain Significance.